The following is an entry in ClinVar:

ClinVar aggregate classification (germline): Uncertain significance (1 of 4 stars; one submission).

gnomAD v4.1: 1 of 1,610,608 alleles (0.000062%); highest among the groups gnomAD compares: Non-Finnish European, 0.000085%; no homozygotes.

Submission:

Labcorp Genetics (formerly Invitae), Labcorp
Classification: Uncertain significance. Last evaluated: 2022-07-11. Review status: criteria provided, single submitter. Criteria: Invitae Variant Classification Sherloc (09022015). Collection method: clinical testing. Allele origin: germline.
Comment: This variant has not been reported in the literature in individuals affected with EIF2AK2-related conditions. This variant is not present in population databases (gnomAD no frequency). This sequence change replaces threonine, which is neutral and polar, with serine, which is neutral and polar, at codon 255 of the EIF2AK2 protein (p.Thr255Ser). Algorithms developed to predict the effect of missense changes on protein structure and function output the following: SIFT: "Tolerated"; PolyPhen-2: "Benign"; Align-GVGD: "Class C0". The serine amino acid residue is found in multiple mammalian species, which suggests that this missense change does not adversely affect protein function. In summary, the available evidence is currently insufficient to determine the role of this variant in disease. Therefore, it has been classified as a Variant of Uncertain Significance.

NM_001135651.3(EIF2AK2):c.763A>T (p.Thr255Ser)

Gene: EIF2AK2 (eukaryotic translation initiation factor 2 alpha kinase 2; minus strand). Cytogenetic location: 2p22.2.
Variant type: single nucleotide variant.
Coding change: c.763A>T on transcript NM_001135651.3 (MANE Select); coding-DNA position 763, A replaced by T.
Protein change: p.Thr255Ser; replaces threonine 255 with serine.
Molecular consequence: missense variant.
Genome position (GRCh38, 1-based): chr2:37,135,506, T>A on the plus strand (A>T on the coding strand, the complement: EIF2AK2 is on the minus strand). VCF-style: chr2-37135506-T-A. GRCh37 (hg19) VCF-style: chr2-37362649-T-A.
Other names: c.763A>T, p.Thr255Ser (NM_001135652.3, NM_002759.4); short protein forms T255S.
Identifiers: ClinVar variation 2016102 (VCV002016102.4), dbSNP rs1158595807, ClinGen allele CA346315013.